The following is an entry in ClinVar:

ClinVar aggregate classification (germline): Conflicting classifications of pathogenicity. Review status: criteria provided, conflicting classifications (1 of 4 stars). 3 submissions from 3 submitters: Uncertain significance (2); Likely benign (1). Last evaluated 2026-01-28.

Conditions:
Hereditary cancer-predisposing syndrome. Also called: Neoplastic Syndromes, Hereditary; Tumor predisposition; Hereditary Cancer Syndrome; Hereditary neoplastic syndrome. Identifiers: Orphanet 140162, MedGen C0027672, MeSH D009386, MONDO:0015356.
Hereditary breast ovarian cancer syndrome. Also called: Hereditary breast and ovarian cancer syndrome; Hereditary breast and ovarian cancer; Hereditary breast and ovarian cancer syndrome (HBOC); Breast and ovarian cancer; Hereditary breast and/or ovarian cancer syndrome; BRCA1- and BRCA2-Associated Hereditary Breast and Ovarian Cancer. Identifiers: Orphanet 145, MedGen C0677776, MeSH D061325, MONDO:0003582. Disease mechanism: loss of function.

Submissions (3):

Labcorp Genetics (formerly Invitae), Labcorp
Classification: Uncertain significance for Hereditary breast ovarian cancer syndrome. Last evaluated: 2026-01-28. Review status: criteria provided, single submitter. Criteria: Invitae Variant Classification Sherloc (09022015). Collection method: clinical testing. Allele origin: germline.
Comment: This sequence change replaces isoleucine, which is neutral and non-polar, with valine, which is neutral and non-polar, at codon 682 of the BRCA2 protein (p.Ile682Val). This variant is not present in population databases (gnomAD no frequency). This missense change has been observed in individual(s) with clinical features of BRCA2-related conditions (PMID: 21520333; internal data). ClinVar contains an entry for this variant (Variation ID: 485431). Invitae Evidence Modeling of protein sequence and biophysical properties (such as structural, functional, and spatial information, amino acid conservation, physicochemical variation, residue mobility, and thermodynamic stability) indicates that this missense variant is not expected to disrupt BRCA2 protein function with a negative predictive value of 95%. In summary, the available evidence is currently insufficient to determine the role of this variant in disease. Therefore, it has been classified as a Variant of Uncertain Significance.

University of Washington Department of Laboratory Medicine, University of Washington
Classification: Likely benign for Hereditary cancer-predisposing syndrome. Last evaluated: 2023-03-23. Review status: criteria provided, single submitter. Criteria: Dines et al. (Genet Med. 2020). Collection method: curation. Allele origin: germline.
Comment: Missense variant in a coldspot region where missense variants are very unlikely to be pathogenic (PMID:31911673).

BRCA2 exon 11 coldspot. Reclassification based on statistical prior probability.

Ambry Genetics
Classification: Uncertain significance for Hereditary cancer-predisposing syndrome. Last evaluated: 2017-01-30. Review status: criteria provided, single submitter. Criteria: Ambry Variant Classification Scheme 2023. Collection method: clinical testing. Allele origin: germline.
Comment: The p.I682V variant (also known as c.2044A>G), located in coding exon 10 of the BRCA2 gene, results from an A to G substitution at nucleotide position 2044. The isoleucine at codon 682 is replaced by valine, an amino acid with highly similar properties. This amino acid position is not well conserved in available vertebrate species. In addition, this alteration is predicted to be tolerated by in silico analysis. Since supporting evidence is limited at this time, the clinical significance of this alteration remains unclear.

Literature cited by the submitters: PubMed 21520333 (cited by Labcorp Genetics (formerly Invitae), Labcorp).

NM_000059.4(BRCA2):c.2044A>G (p.Ile682Val)

Gene: BRCA2 (BRCA2 DNA repair associated; plus strand). Cytogenetic location: 13q13.1.
Variant type: single nucleotide variant.
Coding change: c.2044A>G on transcript NM_000059.4 (MANE Select); coding-DNA position 2044, A replaced by G.
Protein change: p.Ile682Val; replaces isoleucine 682 with valine.
Molecular consequence: missense variant.
Genome position (GRCh38, 1-based): chr13:32,336,399, A>G. VCF-style: chr13-32336399-A-G. GRCh37 (hg19) VCF-style: chr13-32910536-A-G.
Other names: short protein forms I682V.
Identifiers: ClinVar variation 485431 (VCV000485431.15), dbSNP rs398122738, ClinGen allele CA387768937.